The following is an entry in ClinVar:

NM_024529.5(CDC73):c.261A>C (p.Arg87Ser)

Gene: CDC73 (cell division cycle 73; plus strand). Cytogenetic location: 1q31.2.
Variant type: single nucleotide variant.
Coding change: c.261A>C on transcript NM_024529.5 (MANE Select); coding-DNA position 261, A replaced by C.
Protein change: p.Arg87Ser; replaces arginine 87 with serine.
Molecular consequence: missense variant.
Genome position (GRCh38, 1-based): chr1:193,130,197, A>C. VCF-style: chr1-193130197-A-C. GRCh37 (hg19) VCF-style: chr1-193099327-A-C.
Other names: short protein forms R87S.
Identifiers: ClinVar variation 1793901 (VCV001793901.2), dbSNP rs2103117840, ClinGen allele CA343973319.
Genomic context (GRCh38, chr1:193,130,197, plus strand): 5'-TATTCATTTCATATCTCATTTAAAATTTTGGTTTTAGACTGAAAATATTCCTGTGGTTAG[A>C]AGACCTGATCGAAAAGATCTACTTGGATATCTCAATGGTGAAGCGTGTGAGTACTTTTTA-3'
Protein context (NP_078805.3, residues 77-97): RAATENIPVV[Arg87Ser]RPDRKDLLGY

ClinVar aggregate classification (germline): Uncertain significance (1 of 4 stars; one submission).

Conditions:
Hereditary cancer-predisposing syndrome. Also called: Tumor predisposition; Hereditary Cancer Syndrome; Neoplastic Syndromes, Hereditary; Hereditary neoplastic syndrome. Identifiers: Orphanet 140162, MedGen C0027672, MeSH D009386, MONDO:0015356.

Submission:

Ambry Genetics
Classification: Uncertain significance for Hereditary cancer-predisposing syndrome. Last evaluated: 2022-01-31. Review status: criteria provided, single submitter. Criteria: Ambry Variant Classification Scheme 2023. Collection method: clinical testing. Allele origin: germline.
Comment: The p.R87S variant (also known as c.261A>C), located in coding exon 3 of the CDC73 gene, results from an A to C substitution at nucleotide position 261. The arginine at codon 87 is replaced by serine, an amino acid with dissimilar properties. This amino acid position is conserved. In addition, the in silico prediction for this alteration is inconclusive. Since supporting evidence is limited at this time, the clinical significance of this alteration remains unclear.